The following is an entry in ClinVar:

ClinVar aggregate classification (germline): Uncertain significance (1 of 4 stars; one submission).

Allele frequency attached by ClinVar (database versions not stated): gnomAD 0.00001; TOPMed 0.00002; gnomAD exomes below 0.00001.
gnomAD v4.1: 4 of 1,613,880 alleles (0.00025%); highest among the groups gnomAD compares: East Asian, 0.0022%; no homozygotes.

Submission:

Labcorp Genetics (formerly Invitae), Labcorp
Classification: Uncertain significance. Last evaluated: 2025-03-22. Review status: criteria provided, single submitter. Criteria: Invitae Variant Classification Sherloc (09022015). Collection method: clinical testing. Allele origin: germline.
Comment: This sequence change replaces valine, which is neutral and non-polar, with methionine, which is neutral and non-polar, at codon 283 of the AP3D1 protein (p.Val283Met). This variant is present in population databases (no rsID available, gnomAD 0.0009%). This variant has not been reported in the literature in individuals affected with AP3D1-related conditions. ClinVar contains an entry for this variant (Variation ID: 2908078). An algorithm developed to predict the effect of missense changes on protein structure and function (PolyPhen-2) suggests that this variant is likely to be disruptive. In summary, the available evidence is currently insufficient to determine the role of this variant in disease. Therefore, it has been classified as a Variant of Uncertain Significance.

NM_001261826.3(AP3D1):c.847G>A (p.Val283Met)

Gene: AP3D1 (adaptor related protein complex 3 subunit delta 1; minus strand). Cytogenetic location: 19p13.3.
Variant type: single nucleotide variant.
Coding change: c.847G>A on transcript NM_001261826.3 (MANE Select); coding-DNA position 847, G replaced by A.
Protein change: p.Val283Met; replaces valine 283 with methionine.
Molecular consequence: missense variant.
Genome position (GRCh38, 1-based): chr19:2,127,161, C>T on the plus strand (G>A on the coding strand, the complement: AP3D1 is on the minus strand). VCF-style: chr19-2127161-C-T. GRCh37 (hg19) VCF-style: chr19-2127160-C-T.
Other names: c.847G>A, p.Val283Met (NM_001374799.1, NM_003938.8); short protein forms V283M.
Identifiers: ClinVar variation 2908078 (VCV002908078.3), dbSNP rs1383448509, ClinGen allele CA403226175.